The following is an entry in ClinVar:

NM_052872.4(IL17F):c.163A>G (p.Met55Val)

Gene: IL17F (interleukin 17F; minus strand). Cytogenetic location: 6p12.2.
Variant type: single nucleotide variant.
Coding change: c.163A>G on transcript NM_052872.4 (MANE Select); coding-DNA position 163, A replaced by G.
Protein change: p.Met55Val; replaces methionine 55 with valine.
Molecular consequence: missense variant.
Genome position (GRCh38, 1-based): chr6:52,238,821, T>C on the plus strand (A>G on the coding strand, the complement: IL17F is on the minus strand). VCF-style: chr6-52238821-T-C. GRCh37 (hg19) VCF-style: chr6-52103619-T-C.
Other names: short protein forms M55V.
Identifiers: ClinVar variation 4732640 (VCV004732640.1).
Genomic context (GRCh38, chr6:52,238,821, plus strand): 5'-CGATGTTACGTGACATGGAAACGCGCTGGTTTTCATTGATGATGCCAATGTCAAGCTTCA[T>C]ACTACCTCCTGGCACAGGCGGGCAACTCTCAGGCTTTTGGAAAAAAGTATGTCCTACTTT-3'
Protein context (NP_443104.1, residues 45-65): ESCPPVPGGS[Met55Val]KLDIGIINEN

ClinVar aggregate classification (germline): Uncertain significance (1 of 4 stars; one submission).

Conditions:
Candidiasis, familial, 6 (CANDF6). Also called: Candidiasis, familial, 6, autosomal dominant. Identifiers: Orphanet 1334, MedGen C3151405, MONDO:0013503, OMIM 613956.

Submission:

Labcorp Genetics (formerly Invitae), Labcorp
Classification: Uncertain significance for Candidiasis, familial, 6. Last evaluated: 2025-12-06. Review status: criteria provided, single submitter. Criteria: Invitae Variant Classification Sherloc (09022015). Collection method: clinical testing. Allele origin: germline.
Comment: This sequence change replaces methionine, which is neutral and non-polar, with valine, which is neutral and non-polar, at codon 55 of the IL17F protein (p.Met55Val). This variant is not present in population databases (gnomAD no frequency). This variant has not been reported in the literature in individuals affected with IL17F-related conditions. An algorithm developed to predict the effect of missense changes on protein structure and function outputs the following: PolyPhen-2: "Benign". The valine amino acid residue is found in multiple mammalian species, which suggests that this missense change does not adversely affect protein function. In summary, the available evidence is currently insufficient to determine the role of this variant in disease. Therefore, it has been classified as a Variant of Uncertain Significance.